The following is an entry in ClinVar:

NM_002180.3(IGHMBP2):c.373C>T (p.Gln125Ter)

Gene: IGHMBP2 (immunoglobulin mu DNA binding protein 2; plus strand). Cytogenetic location: 11q13.3.
Variant type: single nucleotide variant.
Coding change: c.373C>T on transcript NM_002180.3 (MANE Select); coding-DNA position 373, C replaced by T.
Protein change: p.Gln125Ter; replaces glutamine 125 with a stop codon.
Molecular consequence: nonsense.
Genome position (GRCh38, 1-based): chr11:68,908,261, C>T. VCF-style: chr11-68908261-C-T. GRCh37 (hg19) VCF-style: chr11-68675729-C-T.
Other names: short protein forms Q125*.
Identifiers: ClinVar variation 1075876 (VCV001075876.7), dbSNP rs1015531394, ClinGen allele CA223385710.

ClinVar aggregate classification (germline): Pathogenic (1 of 4 stars; one submission).

Conditions:
Autosomal recessive distal spinal muscular atrophy 1. Also called: SEVERE INFANTILE AXONAL NEUROPATHY WITH RESPIRATORY FAILURE; SPINAL MUSCULAR ATROPHY, DIAPHRAGMATIC; Spinal muscular atrophy with respiratory distress 1; NEURONOPATHY, DISTAL HEREDITARY MOTOR, HARDING TYPE VI; NEUROPATHY, DISTAL HEREDITARY MOTOR, AUTOSOMAL RECESSIVE 1; HMN VI. Identifiers: Orphanet 98920, MedGen C1858517, MONDO:0011436, OMIM 604320.
Charcot-Marie-Tooth disease axonal type 2S. Also called: CHARCOT-MARIE-TOOTH NEUROPATHY, TYPE 2S; CHARCOT-MARIE-TOOTH DISEASE, AXONAL, AUTOSOMAL RECESSIVE, TYPE 2S. Identifiers: Orphanet 443073, MedGen C4015349, MONDO:0014511, OMIM 616155.

Submission:

Labcorp Genetics (formerly Invitae), Labcorp
Classification: Pathogenic for Autosomal recessive distal spinal muscular atrophy 1; Charcot-Marie-Tooth disease axonal type 2S. Last evaluated: 2023-05-11. Review status: criteria provided, single submitter. Criteria: Invitae Variant Classification Sherloc (09022015). Collection method: clinical testing. Allele origin: germline.
Comment: This variant is not present in population databases (gnomAD no frequency). This variant has not been reported in the literature in individuals affected with IGHMBP2-related conditions. ClinVar contains an entry for this variant (Variation ID: 1075876). For these reasons, this variant has been classified as Pathogenic. This sequence change creates a premature translational stop signal (p.Gln125*) in the IGHMBP2 gene. It is expected to result in an absent or disrupted protein product. Loss-of-function variants in IGHMBP2 are known to be pathogenic (PMID: 14681881, 25439726, 25568292).

Literature cited by the submitters: PubMed 14681881; PubMed 25439726; PubMed 25568292.